The following is an entry in ClinVar:

ClinVar aggregate classification (germline): Likely pathogenic. Review status: criteria provided, multiple submitters, no conflicts (2 of 4 stars). 2 submissions from 2 submitters: Likely pathogenic (2). Last evaluated 2021-12-20.

Conditions:
Ornithine carbamoyltransferase deficiency (OTCD). Also called: ORNITHINE TRANSCARBAMYLASE DEFICIENCY; ORNITHINE TRANSCARBAMYLASE DEFICIENCY, HYPERAMMONEMIA DUE TO; Ornithine Carbamoyltransferase Deficiency Disease; OTC DEFICIENCY. Identifiers: Orphanet 664, MedGen C0268542, MONDO:0010703, OMIM 311250.

Submissions (2):

Labcorp Genetics (formerly Invitae), Labcorp
Classification: Likely pathogenic for Ornithine carbamoyltransferase deficiency. Last evaluated: 2021-12-20. Review status: criteria provided, single submitter. Criteria: Invitae Variant Classification Sherloc (09022015). Collection method: clinical testing. Allele origin: germline.
Comment: This sequence change falls in intron 8 of the OTC gene. It does not directly change the encoded amino acid sequence of the OTC protein. The frequency data for this variant in the population databases is considered unreliable, as metrics indicate insufficient coverage at this position in the gnomAD database. This variant has been observed in individual(s) with OTC deficiency (PMID: 18440262; Invitae). It has also been observed to segregate with disease in related individuals. ClinVar contains an entry for this variant (Variation ID: 571311). Algorithms developed to predict the effect of sequence changes on RNA splicing suggest that this variant may create or strengthen a splice site. In summary, the currently available evidence indicates that the variant is pathogenic, but additional data are needed to prove that conclusively. Therefore, this variant has been classified as Likely Pathogenic.

Revvity Omics, Revvity
Classification: Likely pathogenic for Ornithine carbamoyltransferase deficiency. Last evaluated: 2021-08-04. Review status: criteria provided, single submitter. Criteria: ACMG Guidelines, 2015. Collection method: clinical testing. Allele origin: germline.

Literature cited by the submitters: PubMed 18440262 (cited by Labcorp Genetics (formerly Invitae), Labcorp).

NM_000531.6(OTC):c.867+1126A>G

Gene: OTC (ornithine transcarbamylase; plus strand). Cytogenetic location: Xp11.4.
Variant type: single nucleotide variant.
Coding change: c.867+1126A>G on transcript NM_000531.6 (MANE Select); 1126 bases into the intron after coding-DNA position 867, A replaced by G.
Molecular consequence: intron variant.
Genome position (GRCh38, 1-based): chrX:38,410,151, A>G. VCF-style: chrX-38410151-A-G. GRCh37 (hg19) VCF-style: chrX-38269404-A-G.
Identifiers: ClinVar variation 571311 (VCV000571311.15), dbSNP rs1569281032, ClinGen allele CA891843643.
Genomic context (GRCh38, chrX:38,410,151, plus strand): 5'-TCTTGCTCACTCATTTAGATATTTTTTATTCTTTTTAGTTGCTGCATAGAATTCCAAAGG[A>G]TAAGTGGAACCATAATTTACTTAAAATGTTTCCTATTGATAAATTAGGCTATTTCTGAGA-3'